The following is an entry in ClinVar:

ClinVar aggregate classification (germline): Conflicting classifications of pathogenicity. Review status: criteria provided, conflicting classifications (1 of 4 stars). 2 submissions from 2 submitters: Pathogenic (1); Uncertain significance (1). Last evaluated 2025-08-04.

Conditions:
Hereditary cancer-predisposing syndrome. Also called: Hereditary Cancer Syndrome; Tumor predisposition; Neoplastic Syndromes, Hereditary; Hereditary neoplastic syndrome. Identifiers: Orphanet 140162, MedGen C0027672, MeSH D009386, MONDO:0015356.
Hereditary pheochromocytoma and paraganglioma. Also called: Hereditary pheochromocytoma-paraganglioma; Hereditary paragangliomas and pheochromocytomas; Hereditary Paraganglioma-Pheochromocytoma Syndromes. Identifiers: Orphanet 29072, MedGen C4274332, MONDO:0017366.

Submissions (2):

Ambry Genetics
Classification: Pathogenic for Hereditary cancer-predisposing syndrome. Last evaluated: 2025-08-04. Review status: criteria provided, single submitter. Criteria: Ambry Variant Classification Scheme 2023. Collection method: clinical testing. Allele origin: germline.
Comment: The p.G78E pathogenic mutation (also known as c.233G>A), located in coding exon 2 of the SDHAF2 gene, results from a G to A substitution at nucleotide position 233. The glycine at codon 78 is replaced by glutamic acid, an amino acid with similar properties. This variant has been observed in multiple individuals with a personal and/or family history that is consistent with SDHAF2-related paraganglioma-pheochromocytoma syndrome (De Fabritiis S et al. Oncogenesis, 2023 Feb;12:10; Rana HQ et al. Cancers (Basel), 2024 Feb;16; Ambry internal data). Based on internal structural analysis, this variant is not anticipated to decrease protein stability, but it is on the important ligand binding site (Ambry internal data). This amino acid position is highly conserved in available vertebrate species. In addition, this alteration is predicted to be deleterious by in silico analysis. This variant is considered to be rare based on population cohorts in the Genome Aggregation Database (gnomAD). Based on the supporting evidence, this variant is interpreted as a disease-causing mutation.

Labcorp Genetics (formerly Invitae), Labcorp
Classification: Uncertain significance for Hereditary pheochromocytoma and paraganglioma. Last evaluated: 2023-01-21. Review status: criteria provided, single submitter. Criteria: Invitae Variant Classification Sherloc (09022015). Collection method: clinical testing. Allele origin: germline.
Comment: This sequence change replaces glycine, which is neutral and non-polar, with glutamic acid, which is acidic and polar, at codon 78 of the SDHAF2 protein (p.Gly78Glu). This variant is not present in population databases (gnomAD no frequency). This variant has not been reported in the literature in individuals affected with SDHAF2-related conditions. ClinVar contains an entry for this variant (Variation ID: 821122). Algorithms developed to predict the effect of missense changes on protein structure and function (SIFT, PolyPhen-2, Align-GVGD) all suggest that this variant is likely to be disruptive. This variant disrupts the p.Gly78 amino acid residue in SDHAF2. Other variant(s) that disrupt this residue have been determined to be pathogenic (PMID: 19628817, 20071235, 22241717, 24414418, 28099933; Invitae). This suggests that this residue is clinically significant, and that variants that disrupt this residue are likely to be disease-causing. In summary, the available evidence is currently insufficient to determine the role of this variant in disease. Therefore, it has been classified as a Variant of Uncertain Significance.

Literature cited by the submitters: PubMed 19628817 (cited by Ambry Genetics and Labcorp Genetics (formerly Invitae), Labcorp); PubMed 20071235 (cited by Ambry Genetics and Labcorp Genetics (formerly Invitae), Labcorp); PubMed 21348866 (cited by Ambry Genetics); PubMed 23062074 (cited by Ambry Genetics); PubMed 36841802 (cited by Ambry Genetics); PubMed 38473309 (cited by Ambry Genetics); PubMed 22241717 (cited by Labcorp Genetics (formerly Invitae), Labcorp); PubMed 24414418 (cited by Labcorp Genetics (formerly Invitae), Labcorp); PubMed 28099933 (cited by Labcorp Genetics (formerly Invitae), Labcorp).

NM_017841.4(SDHAF2):c.233G>A (p.Gly78Glu)

Gene: SDHAF2 (succinate dehydrogenase complex assembly factor 2; plus strand). Cytogenetic location: 11q12.2.
Variant type: single nucleotide variant.
Coding change: c.233G>A on transcript NM_017841.4 (MANE Select); coding-DNA position 233, G replaced by A.
Protein change: p.Gly78Glu; replaces glycine 78 with glutamic acid.
Molecular consequence: missense variant.
Genome position (GRCh38, 1-based): chr11:61,437,821, G>A. VCF-style: chr11-61437821-G-A. GRCh37 (hg19) VCF-style: chr11-61205293-G-A.
Other names: short protein forms G78E.
Identifiers: ClinVar variation 821122 (VCV000821122.8), dbSNP rs1590764905, ClinGen allele CA380683793.